The following is an entry in ClinVar:

NM_001286445.3(RIPOR2):c.1773A>C (p.Leu591Phe)

Gene: RIPOR2 (RHO family interacting cell polarization regulator 2; minus strand). Cytogenetic location: 6p22.3.
Variant type: single nucleotide variant.
Coding change: c.1773A>C on transcript NM_001286445.3 (MANE Select); coding-DNA position 1773, A replaced by C.
Protein change: p.Leu591Phe; replaces leucine 591 with phenylalanine.
Molecular consequence: missense variant.
Genome position (GRCh38, 1-based): chr6:24,842,946, T>G on the plus strand (A>C on the coding strand, the complement: RIPOR2 is on the minus strand). VCF-style: chr6-24842946-T-G. GRCh37 (hg19) VCF-style: chr6-24843174-T-G.
Other names: c.1788A>C, p.Leu596Phe (NM_001286446.3); c.1686A>C, p.Leu562Phe (NM_001286447.2, NM_001346031.2, NM_001346032.2 and 1 more transcripts); c.1836A>C, p.Leu612Phe (NM_014722.5); short protein forms L612F, L562F, L596F, L591F.
Identifiers: ClinVar variation 446060 (VCV000446060.19), dbSNP rs143785002, ClinGen allele CA3659190.
Genomic context (GRCh38, chr6:24,842,946, plus strand): 5'-GACTTCTTGGTTCAGATCCTGAAACTCTTTATACTGCTCTTTATGTGGTTCTAATGCAAG[T>G]AAAAGCCCATTAAAAGCATCCTCTAAGCTTCCATCTAGAAAGGATCTGCAGCCTTCAGAT-3'
Protein context (NP_001273374.1, residues 581-601): GSLEDAFNGL[Leu591Phe]LALEPHKEQY

ClinVar aggregate classification (germline): Benign/Likely benign. Review status: criteria provided, multiple submitters, no conflicts (2 of 4 stars). 6 submissions from 6 submitters: Benign (3); Likely benign (3). Last evaluated 2025-09-01.

Allele frequency attached by ClinVar (database versions not stated): gnomAD exomes 0.00068 and 0.00173; ExAC 0.00175; gnomAD 0.00376 and 0.00396; TOPMed 0.00447; ESP Exome Variant Server 0.00467; 1000 Genomes Project 0.00539; 1000 Genomes Project 30x 0.00609.
gnomAD v4.1: 1,529 of 1,525,798 alleles (0.1%); highest among the groups gnomAD compares: African/African-American, 1.3%; 5 homozygotes.

Submissions (6):

Labcorp Genetics (formerly Invitae), Labcorp
Classification: Benign. Last evaluated: 2025-09-01. Review status: criteria provided, single submitter. Criteria: Invitae Variant Classification Sherloc (09022015). Collection method: clinical testing. Allele origin: germline.

Blueprint Genetics
Classification: Likely benign. Last evaluated: 2024-11-06. Review status: criteria provided, single submitter. Criteria: ACMG Guidelines, 2015. Collection method: clinical testing. Allele origin: germline.

GeneDx
Classification: Benign. Last evaluated: 2019-07-11. Review status: criteria provided, single submitter. Criteria: GeneDx Variant Classification Process June 2021. Collection method: clinical testing. Allele origin: germline. Affected: yes.

Center for Pediatric Genomic Medicine, Children's Mercy Hospital and Clinics
Classification: Likely benign. Last evaluated: 2017-08-31. Review status: criteria provided, single submitter. Criteria: ACMG Guidelines, 2015. Collection method: clinical testing. Allele origin: germline.

Laboratory for Molecular Medicine, Mass General Brigham Personalized Medicine
Classification: Benign. Last evaluated: 2017-08-23. Review status: criteria provided, single submitter. Criteria: LMM Criteria. Collection method: clinical testing. Allele origin: germline. Observed: 1 variant allele.
Comment: p.Leu612Phe in exon 14 of FAM65B: This variant is not expected to have clinical significance because it has been identified in 1.57% (151/9612) of African chrom osomes by the Exome Aggregation Consortium (ExAC ; dbSNP rs143785002).

Breakthrough Genomics
Classification: Likely benign. Review status: criteria provided, single submitter. Criteria: ACMG Guidelines, 2015. Collection method: not provided. Allele origin: germline. Inheritance: Autosomal recessive inheritance. Affected: yes.